The following is an entry in ClinVar:

ClinVar aggregate classification (germline): Conflicting classifications of pathogenicity. Review status: criteria provided, conflicting classifications (1 of 4 stars). 5 submissions from 5 submitters: Uncertain significance (1); Likely benign (3). 1 of the submissions does not count toward it. Last evaluated 2025-10-22.

Conditions:
STIL-related disorder. Also called: STIL-related condition.

Allele frequency attached by ClinVar (database versions not stated): ExAC 0.00076; 1000 Genomes Project 30x 0.00172; gnomAD exomes 0.00068; 1000 Genomes Project 0.00180; gnomAD 0.00194; TOPMed 0.00242; ESP Exome Variant Server 0.00269.

Submissions (5):

Labcorp Genetics (formerly Invitae), Labcorp
Classification: Likely benign. Last evaluated: 2025-10-22. Review status: criteria provided, single submitter. Criteria: Invitae Variant Classification Sherloc (09022015). Collection method: clinical testing. Allele origin: germline.

Eurofins Ntd Llc (ga)
Classification: Likely benign. Last evaluated: 2017-08-16. Review status: criteria provided, single submitter. Criteria: EGL Classification Definitions 2015. Collection method: clinical testing. Allele origin: germline. Observed: 1 variant allele, 1 heterozygote.

CeGaT Center for Human Genetics Tuebingen
Classification: Uncertain significance. Last evaluated: 2017-03-01. Review status: criteria provided, single submitter. Criteria: CeGaT Center For Human Genetics Tuebingen Variant Classification Criteria Version 2. Collection method: clinical testing. Allele origin: germline. Affected: yes. Observed: 1 variant allele.

Genetic Services Laboratory, University of Chicago
Classification: Likely benign. Last evaluated: 2016-04-15. Review status: criteria provided, single submitter. Criteria: ACMG Guidelines, 2015. Collection method: clinical testing. Allele origin: germline. Affected: no.

PreventionGenetics, part of Exact Sciences
Classification: Likely benign for STIL-related condition. Last evaluated: 2020-09-21. Review status: no assertion criteria provided. Collection method: clinical testing. Allele origin: germline. Not counted in ClinVar's aggregate classification.
Comment: This variant is classified as likely benign based on ACMG/AMP sequence variant interpretation guidelines (Richards et al. 2015 PMID: 25741868, with internal and published modifications).

NM_001048166.1(STIL):c.1069G>A (p.Ala357Thr)

Gene: STIL (STIL centriolar assembly protein; minus strand). Cytogenetic location: 1p33.
Variant type: single nucleotide variant.
Coding change: c.1069G>A on transcript NM_001048166.1 (MANE Select); coding-DNA position 1069, G replaced by A.
Protein change: p.Ala357Thr; replaces alanine 357 with threonine.
Molecular consequence: missense variant.
Genome position (GRCh38, 1-based): chr1:47,287,615, C>T on the plus strand (G>A on the coding strand, the complement: STIL is on the minus strand). VCF-style: chr1-47287615-C-T. GRCh37 (hg19) VCF-style: chr1-47753287-C-T.
Other names: c.1069G>A, p.Ala357Thr (NM_001282936.1, NM_001282937.1, NM_003035.2); c.928G>A, p.Ala310Thr (NM_001282938.1, NM_001282939.1); short protein forms A357T, A310T.
Identifiers: ClinVar variation 160048 (VCV000160048.62), dbSNP rs75426387, ClinGen allele CA272655.